The following is an entry in ClinVar:

ClinVar aggregate classification (germline): Uncertain significance (1 of 4 stars; one submission).

Conditions:
HTR2C-related disorder. Also called: HTR2C-related condition.

Submission:

PreventionGenetics, part of Exact Sciences
Classification: Uncertain significance for HTR2C-related condition. Last evaluated: 2025-12-12. Review status: criteria provided, single submitter. Criteria: ACMG Guidelines, 2015. Collection method: clinical testing. Allele origin: germline.
Comment: The HTR2C c.455G>A variant is predicted to result in the amino acid substitution p.Arg152Gln. To our knowledge, this variant has not been reported in the literature or in a large population database (gnomAD), indicating this variant is rare. At this time, the clinical significance of this variant is uncertain due to the absence of conclusive functional and genetic evidence.

NM_000868.4(HTR2C):c.455G>A (p.Arg152Gln)

Gene: HTR2C (5-hydroxytryptamine receptor 2C; plus strand). Cytogenetic location: Xq23.
Variant type: single nucleotide variant.
Coding change: c.455G>A on transcript NM_000868.4 (MANE Select); coding-DNA position 455, G replaced by A.
Protein change: p.Arg152Gln; replaces arginine 152 with glutamine.
Molecular consequence: missense variant.
Genome position (GRCh38, 1-based): chrX:114,848,108, G>A. VCF-style: chrX-114848108-G-A. GRCh37 (hg19) VCF-style: chrX-114082671-G-A.
Other names: c.455G>A, p.Arg152Gln (NM_001256760.3, NM_001256761.3); short protein forms R152Q.
Identifiers: ClinVar variation 4996669 (VCV004996669.1).